The following is an entry in ClinVar:

ClinVar aggregate classification (germline): Uncertain significance (1 of 4 stars; one submission).

Conditions:
Pitt-Hopkins-like syndrome 2 (PTHSL2). Identifiers: Orphanet 221150, Orphanet 600663, MedGen C3280479, MONDO:0013690, OMIM 614325.

Allele frequency attached by ClinVar (database versions not stated): gnomAD exomes 0.00001; TOPMed 0.00002.
gnomAD v4.1: 3 of 1,601,974 alleles (0.00019%); highest among the groups gnomAD compares: African/African-American, 0.0013%; no homozygotes.

Submission:

Labcorp Genetics (formerly Invitae), Labcorp
Classification: Uncertain significance for Pitt-Hopkins-like syndrome 2. Last evaluated: 2024-10-23. Review status: criteria provided, single submitter. Criteria: Invitae Variant Classification Sherloc (09022015). Collection method: clinical testing. Allele origin: germline.
Comment: This sequence change replaces glutamic acid, which is acidic and polar, with lysine, which is basic and polar, at codon 1117 of the NRXN1 protein (p.Glu1117Lys). This variant is not present in population databases (gnomAD no frequency). This variant has not been reported in the literature in individuals affected with NRXN1-related conditions. ClinVar contains an entry for this variant (Variation ID: 1399199). An algorithm developed to predict the effect of missense changes on protein structure and function (PolyPhen-2) suggests that this variant is likely to be disruptive. In summary, the available evidence is currently insufficient to determine the role of this variant in disease. Therefore, it has been classified as a Variant of Uncertain Significance.

NM_001330078.2(NRXN1):c.3229G>A (p.Glu1077Lys)

Gene: NRXN1 (neurexin 1; minus strand). Cytogenetic location: 2p16.3.
Variant type: single nucleotide variant.
Coding change: c.3229G>A on transcript NM_001330078.2 (MANE Select); coding-DNA position 3229, G replaced by A.
Protein change: p.Glu1077Lys; replaces glutamic acid 1077 with lysine.
Molecular consequence: missense variant.
Genome position (GRCh38, 1-based): chr2:50,472,313, C>T on the plus strand (G>A on the coding strand, the complement: NRXN1 is on the minus strand). VCF-style: chr2-50472313-C-T. GRCh37 (hg19) VCF-style: chr2-50699451-C-T.
Other names: c.3349G>A, p.Glu1117Lys (NM_001135659.3); c.3205G>A, p.Glu1069Lys (NM_001330077.2, NM_001330082.2); c.3163G>A, p.Glu1055Lys (NM_001330083.2, NM_001330084.2); c.3202G>A, p.Glu1068Lys (NM_001330085.2); c.3229G>A, p.Glu1077Lys (NM_001330086.2, NM_004801.6); c.3118G>A, p.Glu1040Lys (NM_001330087.2, NM_001330096.2); c.3148G>A, p.Glu1050Lys (NM_001330088.2); c.3226G>A, p.Glu1076Lys (NM_001330093.2); and 2 more; short protein forms E1073K, E1076K, E1040K, E1055K, E1068K, E1069K, E1077K, E1060K.
Identifiers: ClinVar variation 1399199 (VCV001399199.6), dbSNP rs1460279109, ClinGen allele CA346771654.
Genomic context (GRCh38, chr2:50,472,313, plus strand): 5'-GGTGGAATTAGAATTATTTAGAGCATGATGACAAAAATCTAATACCTTCACATCCTCTCT[C>T]GATCTGTCCGTTGCAGAAAAGAGCATCGGAGATGAGGTCCGGAAGCCGTCCATTTAAATC-3'
Protein context (NP_001317007.1, residues 1067-1087): SDALFCNGQI[Glu1077Lys]RGCEGPSTTC